The following is an entry in ClinVar:

ClinVar aggregate classification (germline): Uncertain significance (1 of 4 stars; one submission).

Conditions:
Duchenne muscular dystrophy (DMD). Also called: MUSCULAR DYSTROPHY, PSEUDOHYPERTROPHIC PROGRESSIVE, DUCHENNE TYPE; Duchenne Muscular Dystrophy (DMD). Identifiers: Orphanet 98896, MedGen C0013264, MONDO:0010679, OMIM 310200.

Submission:

Labcorp Genetics (formerly Invitae), Labcorp
Classification: Uncertain significance for Duchenne muscular dystrophy. Last evaluated: 2025-07-30. Review status: criteria provided, single submitter. Criteria: Invitae Variant Classification Sherloc (09022015). Collection method: clinical testing. Allele origin: germline.
Comment: This sequence change replaces asparagine, which is neutral and polar, with aspartic acid, which is acidic and polar, at codon 1833 of the DMD protein (p.Asn1833Asp). This variant is not present in population databases (gnomAD no frequency). This variant has not been reported in the literature in individuals affected with DMD-related conditions. ClinVar contains an entry for this variant (Variation ID: 3704591). Invitae Evidence Modeling of protein sequence and biophysical properties (such as structural, functional, and spatial information, amino acid conservation, physicochemical variation, residue mobility, and thermodynamic stability) indicates that this missense variant is not expected to disrupt DMD protein function with a negative predictive value of 95%. In summary, the available evidence is currently insufficient to determine the role of this variant in disease. Therefore, it has been classified as a Variant of Uncertain Significance.

NM_004006.3(DMD):c.5497A>G (p.Asn1833Asp)

Gene: DMD (dystrophin; minus strand). Cytogenetic location: Xp21.1.
Variant type: single nucleotide variant.
Coding change: c.5497A>G on transcript NM_004006.3 (MANE Select); coding-DNA position 5497, A replaced by G.
Protein change: p.Asn1833Asp; replaces asparagine 1833 with aspartic acid.
Molecular consequence: missense variant.
Genome position (GRCh38, 1-based): chrX:32,346,032, T>C on the plus strand (A>G on the coding strand, the complement: DMD is on the minus strand). VCF-style: chrX-32346032-T-C. GRCh37 (hg19) VCF-style: chrX-32364149-T-C.
Other names: c.5473A>G, p.Asn1825Asp (NM_000109.4); c.5485A>G, p.Asn1829Asp (NM_004009.3); c.5128A>G, p.Asn1710Asp (NM_004010.3); c.1474A>G, p.Asn492Asp (NM_004011.4); c.1465A>G, p.Asn489Asp (NM_004012.4); short protein forms N492D, N1825D, N489D, N1710D, N1833D, N1829D.
Identifiers: ClinVar variation 3704591 (VCV003704591.2).